The following is an entry in ClinVar:

ClinVar aggregate classification (germline): Uncertain significance. Review status: criteria provided, multiple submitters, no conflicts (2 of 4 stars). 2 submissions from 2 submitters: Uncertain significance (2). Last evaluated 2025-04-20.

Conditions:
Melanoma, cutaneous malignant, susceptibility to, 5. Also called: Cutaneous malignant melanoma 5. Identifiers: Orphanet 618, MedGen C2751295, MONDO:0013133, OMIM 613099.

Allele frequency attached by ClinVar (database versions not stated): ExAC 0.00001; gnomAD exomes below 0.00001.

Submissions (2):

Ambry Genetics
Classification: Uncertain significance. Last evaluated: 2025-04-20. Review status: criteria provided, single submitter. Criteria: Ambry Variant Classification Scheme 2023. Collection method: clinical testing. Allele origin: germline.
Comment: The p.M210L variant (also known as c.628A>C), located in coding exon 1 of the MC1R gene, results from an A to C substitution at nucleotide position 628. The methionine at codon 210 is replaced by leucine, an amino acid with highly similar properties. This amino acid position is conserved. In addition, this alteration is predicted to be tolerated by in silico analysis. Based on the available evidence, the clinical significance of this variant remains unclear.

Illumina Laboratory Services, Illumina
Classification: Uncertain significance for Melanoma, cutaneous malignant, susceptibility to, 5. Last evaluated: 2018-01-12. Review status: criteria provided, single submitter. Criteria: ICSL Variant Classification Criteria 13 December 2019. Collection method: clinical testing. Allele origin: germline.

NM_002386.4(MC1R):c.628A>C (p.Met210Leu)

Gene: MC1R (melanocortin 1 receptor; plus strand). Cytogenetic location: 16q24.3.
Variant type: single nucleotide variant.
Coding change: c.628A>C on transcript NM_002386.4 (MANE Select); coding-DNA position 628, A replaced by C.
Protein change: p.Met210Leu; replaces methionine 210 with leucine.
Molecular consequence: missense variant.
Genome position (GRCh38, 1-based): chr16:89,919,886, A>C. VCF-style: chr16-89919886-A-C. GRCh37 (hg19) VCF-style: chr16-89986294-A-C.
Other names: short protein forms M210L.
Identifiers: ClinVar variation 321434 (VCV000321434.6), dbSNP rs749933929, ClinGen allele CA8255688.